The following is an entry in ClinVar:

ClinVar aggregate classification (germline): Pathogenic (1 of 4 stars; one submission).

Conditions:
Neurofibromatosis, type 1 (NF1). Also called: VON RECKLINGHAUSEN DISEASE; Peripheral type neurofibromatosis; NEUROFIBROMATOSIS, TYPE I, SOMATIC; Neurofibromatosis, type I. Identifiers: Orphanet 636, MedGen C0027831, MONDO:0018975, OMIM 162200. Disease mechanism: loss of function.

Submission:

Labcorp Genetics (formerly Invitae), Labcorp
Classification: Pathogenic for Neurofibromatosis, type 1. Last evaluated: 2024-04-25. Review status: criteria provided, single submitter. Criteria: Invitae Variant Classification Sherloc (09022015). Collection method: clinical testing. Allele origin: germline.
Comment: This sequence change creates a premature translational stop signal (p.Val744Serfs*4) in the NF1 gene. It is expected to result in an absent or disrupted protein product. Loss-of-function variants in NF1 are known to be pathogenic (PMID: 10712197, 23913538). This variant is not present in population databases (gnomAD no frequency). This variant has not been reported in the literature in individuals affected with NF1-related conditions. ClinVar contains an entry for this variant (Variation ID: 1073399). For these reasons, this variant has been classified as Pathogenic.

Literature cited by the submitters: PubMed 10712197; PubMed 23913538.

NM_001042492.3(NF1):c.2229del (p.Val744fs)

Gene: NF1 (neurofibromin 1; plus strand). Cytogenetic location: 17q11.2.
Variant type: Deletion.
Coding change: c.2229del on transcript NM_001042492.3 (MANE Select); coding-DNA position 2229, one base deleted (T; older notation c.2229delT).
Protein change: p.Val744fs; shifts the reading frame from valine 744.
Molecular consequence: frameshift variant.
Genome position (GRCh38, 1-based): chr17:31,226,662, T deleted. VCF-style (leftmost placement, unchanged base first): chr17-31226661-CT-C. GRCh37 (hg19) VCF-style: chr17-29553679-CT-C.
Other names: c.2229delT, p.Val744Serfs (NM_000267.4); short protein forms V744fs.
Identifiers: ClinVar variation 1073399 (VCV001073399.3), dbSNP rs2151426120, ClinGen allele CA2499224048.